The following is an entry in ClinVar:

NM_000260.4(MYO7A):c.523del (p.Leu175fs)

Gene: MYO7A (myosin VIIA; plus strand). Cytogenetic location: 11q13.5.
Variant type: Deletion.
Coding change: c.523del on transcript NM_000260.4 (MANE Select); coding-DNA position 523, one base deleted (C; older notation c.523delC).
Protein change: p.Leu175fs; shifts the reading frame from leucine 175.
Molecular consequence: frameshift variant.
Genome position (GRCh38, 1-based): chr11:77,156,712, C deleted; the last of 2 consecutive C bases (chr11:77,156,711-77,156,712); deleting either gives the same sequence. VCF-style (leftmost placement, unchanged base first): chr11-77156710-TC-T. GRCh37 (hg19) VCF-style: chr11-76867756-TC-T.
Other names: c.523del, p.Leu175fs (NM_001127180.2); c.490del, p.Leu164fs (NM_001369365.1); short protein forms L164fs, L175fs.
Identifiers: ClinVar variation 3601486 (VCV003601486.1).

ClinVar aggregate classification (germline): Pathogenic (1 of 4 stars; one submission).

Conditions:
Autosomal recessive nonsyndromic hearing loss 2. Also called: NEUROSENSORY NONSYNDROMIC RECESSIVE DEAFNESS 2; DEAFNESS, AUTOSOMAL RECESSIVE 2. Identifiers: Orphanet 90636, MedGen C1838701, MONDO:0010807, OMIM 600060.

Submission:

Institute of Rare Diseases, West China Hospital, Sichuan University
Classification: Pathogenic for Autosomal recessive nonsyndromic hearing loss 2. Last evaluated: 2025-01-09. Review status: criteria provided, single submitter. Criteria: ClinGen HL ACMG Specifications v1. Collection method: research. Allele origin: germline. Affected: yes.
Comment: PVS1;PM3;PM2_Supporting